The following is an entry in ClinVar:

NM_006579.3(EBP):c.415G>A (p.Ala139Thr)

Gene: EBP (EBP cholestenol delta-isomerase; plus strand). Cytogenetic location: Xp11.23.
Variant type: single nucleotide variant.
Coding change: c.415G>A on transcript NM_006579.3 (MANE Select); coding-DNA position 415, G replaced by A.
Protein change: p.Ala139Thr; replaces alanine 139 with threonine.
Molecular consequence: missense variant.
Genome position (GRCh38, 1-based): chrX:48,527,231, G>A. VCF-style: chrX-48527231-G-A. GRCh37 (hg19) VCF-style: chrX-48385619-G-A.
Other names: short protein forms A139T.
Identifiers: ClinVar variation 4697363 (VCV004697363.1).

ClinVar aggregate classification (germline): Uncertain significance (1 of 4 stars; one submission).

gnomAD v4.1: 4 of 1,211,375 alleles (0.00033%); highest among the groups gnomAD compares: Non-Finnish European, 0.00045%; no homozygotes.

Submission:

Labcorp Genetics (formerly Invitae), Labcorp
Classification: Uncertain significance. Last evaluated: 2025-09-13. Review status: criteria provided, single submitter. Criteria: Invitae Variant Classification Sherloc (09022015). Collection method: clinical testing. Allele origin: germline.
Comment: This sequence change replaces alanine, which is neutral and non-polar, with threonine, which is neutral and polar, at codon 139 of the EBP protein (p.Ala139Thr). The frequency data for this variant in the population databases is considered unreliable, as metrics indicate poor data quality at this position in the gnomAD database. This variant has not been reported in the literature in individuals affected with EBP-related conditions. Invitae Evidence Modeling of protein sequence and biophysical properties (such as structural, functional, and spatial information, amino acid conservation, physicochemical variation, residue mobility, and thermodynamic stability) indicates that this missense variant is expected to disrupt EBP protein function with a positive predictive value of 95%. In summary, the available evidence is currently insufficient to determine the role of this variant in disease. Therefore, it has been classified as a Variant of Uncertain Significance.